The following is an entry in ClinVar:

ClinVar aggregate classification (germline): Pathogenic (1 of 4 stars; one submission).

Submission:

Labcorp Genetics (formerly Invitae), Labcorp
Classification: Pathogenic. Last evaluated: 2023-01-20. Review status: criteria provided, single submitter. Criteria: Invitae Variant Classification Sherloc (09022015). Collection method: clinical testing. Allele origin: germline.
Comment: For these reasons, this variant has been classified as Pathogenic. This variant has not been reported in the literature in individuals affected with SETD5-related conditions. This variant is not present in population databases (gnomAD no frequency). This sequence change creates a premature translational stop signal (p.Val1191Trpfs*31) in the SETD5 gene. It is expected to result in an absent or disrupted protein product. Loss-of-function variants in SETD5 are known to be pathogenic (PMID: 24680889).

Literature cited by the submitters: PubMed 24680889.

NM_001080517.3(SETD5):c.3571del (p.Val1191fs)

Gene: SETD5 (SET domain containing 5; plus strand). Cytogenetic location: 3p25.3.
Variant type: Deletion.
Coding change: c.3571del on transcript NM_001080517.3 (MANE Select); coding-DNA position 3571, one base deleted (G; older notation c.3571delG).
Protein change: p.Val1191fs; shifts the reading frame from valine 1191.
Molecular consequence: frameshift variant.
Genome position (GRCh38, 1-based): chr3:9,474,522, G deleted; the last of 3 consecutive G bases (chr3:9,474,520-9,474,522); deleting any one gives the same sequence. VCF-style (leftmost placement, unchanged base first): chr3-9474519-AG-A. GRCh37 (hg19) VCF-style: chr3-9516203-AG-A.
Other names: c.3277del, p.Val1093fs (NM_001292043.2, NM_001349451.2); short protein forms V1093fs, V1191fs.
Identifiers: ClinVar variation 2011574 (VCV002011574.4), dbSNP rs2473932137, ClinGen allele CA2580070736.